The following is an entry in ClinVar:

NM_024747.6(HPS6):c.585C>T (p.Ala195=)

Gene: HPS6 (HPS6 biogenesis of lysosomal organelles complex 2 subunit 3; plus strand). Cytogenetic location: 10q24.32.
Variant type: single nucleotide variant.
Coding change: c.585C>T on transcript NM_024747.6 (MANE Select); coding-DNA position 585, C replaced by T.
Protein change: p.Ala195=; no amino-acid change (alanine 195 retained).
Molecular consequence: synonymous variant.
Genome position (GRCh38, 1-based): chr10:102,066,059, C>T. VCF-style: chr10-102066059-C-T. GRCh37 (hg19) VCF-style: chr10-103825816-C-T.
Identifiers: ClinVar variation 1537262 (VCV001537262.31), dbSNP rs770302255, ClinGen allele CA5659811.

ClinVar aggregate classification (germline): Likely benign. Review status: criteria provided, multiple submitters, no conflicts (2 of 4 stars). 2 submissions from 2 submitters: Likely benign (2). Last evaluated 2024-07-27.

Allele frequency attached by ClinVar (database versions not stated): ExAC 0.00001; gnomAD exomes 0.00001 and 0.00006; gnomAD 0.00003; TOPMed 0.00003.

Submissions (2):

Labcorp Genetics (formerly Invitae), Labcorp
Classification: Likely benign. Last evaluated: 2024-07-27. Review status: criteria provided, single submitter. Criteria: Invitae Variant Classification Sherloc (09022015). Collection method: clinical testing. Allele origin: germline.

CeGaT Center for Human Genetics Tuebingen
Classification: Likely benign. Last evaluated: 2023-10-01. Review status: criteria provided, single submitter. Criteria: CeGaT Center For Human Genetics Tuebingen Variant Classification Criteria Version 2. Collection method: clinical testing. Allele origin: germline. Affected: yes. Observed: 1 variant allele.
Comment: HPS6: BP4, BP7